The following is an entry in ClinVar:

NM_006648.4(WNK2):c.4412C>G (p.Pro1471Arg)

Gene: WNK2 (WNK lysine deficient protein kinase 2; plus strand). Cytogenetic location: 9q22.31.
Variant type: single nucleotide variant.
Coding change: c.4412C>G on transcript NM_006648.4 (MANE Select); coding-DNA position 4412, C replaced by G.
Protein change: p.Pro1471Arg; replaces proline 1471 with arginine.
Molecular consequence: missense variant.
Genome position (GRCh38, 1-based): chr9:93,289,166, C>G. VCF-style: chr9-93289166-C-G. GRCh37 (hg19) VCF-style: chr9-96051448-C-G.
Other names: c.4523C>G, p.Pro1508Arg (NM_001282394.3); short protein forms P1471R, P1508R.
Identifiers: ClinVar variation 5031791 (VCV005031791.1).

ClinVar aggregate classification (germline): Uncertain significance (1 of 4 stars; one submission).

Submission:

Ambry Genetics
Classification: Uncertain significance. Last evaluated: 2026-06-17. Review status: criteria provided, single submitter. Criteria: Ambry Variant Classification Scheme 2023. Collection method: clinical testing. Allele origin: germline.
Comment: The p.P1471R variant (also known as c.4412C>G), located in coding exon 19 of the WNK2 gene, results from a C to G substitution at nucleotide position 4412. The proline at codon 1471 is replaced by arginine, an amino acid with dissimilar properties. This amino acid position is conserved. In addition, this alteration is predicted to be tolerated by in silico analysis. Based on the available evidence, the clinical significance of this variant remains unclear.